The following is an entry in ClinVar:

ClinVar aggregate classification (germline): Uncertain significance (1 of 4 stars; one submission).

Submission:

Labcorp Genetics (formerly Invitae), Labcorp
Classification: Uncertain significance. Last evaluated: 2025-10-06. Review status: criteria provided, single submitter. Criteria: Invitae Variant Classification Sherloc (09022015). Collection method: clinical testing. Allele origin: germline.
Comment: This sequence change replaces aspartic acid, which is acidic and polar, with glycine, which is neutral and non-polar, at codon 990 of the IGF1R protein (p.Asp990Gly). This variant is not present in population databases (gnomAD no frequency). This variant has not been reported in the literature in individuals affected with IGF1R-related conditions. ClinVar contains an entry for this variant (Variation ID: 1718823). Invitae Evidence Modeling of protein sequence and biophysical properties (such as structural, functional, and spatial information, amino acid conservation, physicochemical variation, residue mobility, and thermodynamic stability) indicates that this missense variant is expected to disrupt IGF1R protein function with a positive predictive value of 80%. In summary, the available evidence is currently insufficient to determine the role of this variant in disease. Therefore, it has been classified as a Variant of Uncertain Significance.

NM_000875.5(IGF1R):c.2969A>G (p.Asp990Gly)

Gene: IGF1R (insulin like growth factor 1 receptor; plus strand). Cytogenetic location: 15q26.3.
Variant type: single nucleotide variant.
Coding change: c.2969A>G on transcript NM_000875.5 (MANE Select); coding-DNA position 2969, A replaced by G.
Protein change: p.Asp990Gly; replaces aspartic acid 990 with glycine.
Molecular consequence: missense variant.
Genome position (GRCh38, 1-based): chr15:98,934,836, A>G. VCF-style: chr15-98934836-A-G. GRCh37 (hg19) VCF-style: chr15-99478065-A-G.
Other names: c.2966A>G, p.Asp989Gly (NM_001291858.2); short protein forms D989G, D990G.
Identifiers: ClinVar variation 1718823 (VCV001718823.5), dbSNP rs2506058653, ClinGen allele CA393657600.
Genomic context (GRCh38, chr15:98,934,836, plus strand): 5'-TCTAAGGGCTTGTTTCTGTACCTGCTTTAATTACGGTTTCTTCTCCAGTGTACGTTCCTG[A>G]TGAGTGGGAGGTGGCTCGGGAGAAGATCACCATGAGCCGGGAACTTGGGCAGGGGTCGTT-3'
Protein context (NP_000866.1, residues 980-1000): YFSAADVYVP[Asp990Gly]EWEVAREKIT